The following is an entry in ClinVar:

NM_018646.6(TRPV6):c.1969G>A (p.Gly657Arg)

Gene: TRPV6 (transient receptor potential cation channel subfamily V member 6; minus strand). Cytogenetic location: 7q34.
Variant type: single nucleotide variant.
Coding change: c.1969G>A on transcript NM_018646.6 (MANE Select); coding-DNA position 1969, G replaced by A.
Protein change: p.Gly657Arg; replaces glycine 657 with arginine.
Molecular consequence: missense variant.
Genome position (GRCh38, 1-based): chr7:142,872,418, C>T on the plus strand (G>A on the coding strand, the complement: TRPV6 is on the minus strand). VCF-style: chr7-142872418-C-T. GRCh37 (hg19) VCF-style: chr7-142570171-C-T.
Other names: c.1849G>A (NM_018646.2); short protein forms G657R.
Identifiers: ClinVar variation 2692410 (VCV002692410.4), dbSNP rs576385529, ClinGen allele CA4532358.

ClinVar aggregate classification (germline): Uncertain significance. Review status: criteria provided, multiple submitters, no conflicts (2 of 4 stars). 3 submissions from 3 submitters: Uncertain significance (3). Last evaluated 2024-06-12.

Conditions:
Hyperparathyroidism, transient neonatal. Identifiers: MedGen C1300287, MONDO:0032591, OMIM 618188.
Inborn genetic diseases. Identifiers: MedGen C0950123, MeSH D030342.

Allele frequency attached by ClinVar (database versions not stated): gnomAD exomes 0.00001; ExAC 0.00002; gnomAD 0.00002; TOPMed 0.00002; 1000 Genomes Project 30x 0.00016; 1000 Genomes Project 0.00020.

Submissions (3):

Labcorp Genetics (formerly Invitae), Labcorp
Classification: Uncertain significance. Last evaluated: 2024-06-12. Review status: criteria provided, single submitter. Criteria: Invitae Variant Classification Sherloc (09022015). Collection method: clinical testing. Allele origin: germline.
Comment: This sequence change replaces glycine, which is neutral and non-polar, with arginine, which is basic and polar, at codon 657 of the TRPV6 protein (p.Gly657Arg). This variant is present in population databases (rs576385529, gnomAD 0.006%). This variant has not been reported in the literature in individuals affected with TRPV6-related conditions. Experimental studies and prediction algorithms are not available or were not evaluated, and the functional significance of this variant is currently unknown. In summary, the available evidence is currently insufficient to determine the role of this variant in disease. Therefore, it has been classified as a Variant of Uncertain Significance.

Ambry Genetics
Classification: Uncertain significance for Inborn genetic diseases. Last evaluated: 2023-12-01. Review status: criteria provided, single submitter. Criteria: Ambry Variant Classification Scheme 2023. Collection method: clinical testing. Allele origin: germline.

Suma Genomics
Classification: Uncertain significance for Hyperparathyroidism, transient neonatal. Review status: criteria provided, single submitter. Criteria: ACMG Guidelines, 2015. Collection method: clinical testing. Allele origin: germline. Inheritance: Autosomal recessive inheritance. Affected: yes. Observed: 1 compound heterozygote.

Literature cited by the submitters: PubMed 29068549 (cited by Suma Genomics).